The following is an entry in ClinVar:

NM_014611.3(MDN1):c.7348C>T (p.His2450Tyr)

Gene: MDN1 (midasin AAA ATPase 1; minus strand). Cytogenetic location: 6q15.
Variant type: single nucleotide variant.
Coding change: c.7348C>T on transcript NM_014611.3 (MANE Select); coding-DNA position 7348, C replaced by T.
Protein change: p.His2450Tyr; replaces histidine 2450 with tyrosine.
Molecular consequence: missense variant.
Genome position (GRCh38, 1-based): chr6:89,712,657, G>A on the plus strand (C>T on the coding strand, the complement: MDN1 is on the minus strand). VCF-style: chr6-89712657-G-A. GRCh37 (hg19) VCF-style: chr6-90422376-G-A.
Other names: short protein forms H2450Y.
Identifiers: ClinVar variation 2630708 (VCV002630708.3), dbSNP rs1368960179, ClinGen allele CA364999880.

ClinVar aggregate classification (germline): Uncertain significance (0 of 4 stars; one submission).

Conditions:
MDN1-related disorder. Also called: MDN1-related condition.

Allele frequency attached by ClinVar (database versions not stated): gnomAD 0.00001.

Submission:

PreventionGenetics, part of Exact Sciences
Classification: Uncertain significance for MDN1-related condition. Last evaluated: 2023-11-28. Review status: no assertion criteria provided. Collection method: clinical testing. Allele origin: germline.
Comment: The MDN1 c.7348C>T variant is predicted to result in the amino acid substitution p.His2450Tyr. To our knowledge, this variant has not been reported in the literature. This variant is reported in 0.0033% of alleles in individuals of South Asian descent in gnomAD. At this time, the clinical significance of this variant is uncertain due to the absence of conclusive functional and genetic evidence.